The following is an entry in ClinVar:

ClinVar aggregate classification (germline): Uncertain significance (1 of 4 stars; one submission).

Submission:

Labcorp Genetics (formerly Invitae), Labcorp
Classification: Uncertain significance. Last evaluated: 2025-05-25. Review status: criteria provided, single submitter. Criteria: Invitae Variant Classification Sherloc (09022015). Collection method: clinical testing. Allele origin: germline.
Comment: This sequence change replaces alanine, which is neutral and non-polar, with valine, which is neutral and non-polar, at codon 509 of the NEFH protein (p.Ala509Val). This variant is not present in population databases (gnomAD no frequency). This variant has not been reported in the literature in individuals affected with NEFH-related conditions. Invitae Evidence Modeling of protein sequence and biophysical properties (such as structural, functional, and spatial information, amino acid conservation, physicochemical variation, residue mobility, and thermodynamic stability) indicates that this missense variant is not expected to disrupt NEFH protein function with a negative predictive value of 95%. In summary, the available evidence is currently insufficient to determine the role of this variant in disease. Therefore, it has been classified as a Variant of Uncertain Significance.

NM_021076.4(NEFH):c.1526C>T (p.Ala509Val)

Gene: NEFH (neurofilament heavy chain; plus strand). Cytogenetic location: 22q12.2.
Variant type: single nucleotide variant.
Coding change: c.1526C>T on transcript NM_021076.4 (MANE Select); coding-DNA position 1526, C replaced by T.
Protein change: p.Ala509Val; replaces alanine 509 with valine.
Molecular consequence: missense variant.
Genome position (GRCh38, 1-based): chr22:29,489,166, C>T. VCF-style: chr22-29489166-C-T. GRCh37 (hg19) VCF-style: chr22-29885155-C-T.
Other names: short protein forms A509V.
Identifiers: ClinVar variation 4761655 (VCV004761655.1).